The following is an entry in ClinVar:

ClinVar aggregate classification (germline): Uncertain significance (1 of 4 stars; one submission).

Conditions:
Marfan syndrome (MFS). Also called: MARFAN SYNDROME, TYPE I; Marfan syndrome type 1; Marfan's syndrome; Marfan syndrome, classic; FBN1-Related Marfan Syndrome. Identifiers: Orphanet 284963, Orphanet 558, MedGen C0024796, MONDO:0007947, OMIM 154700.

Submission:

Victorian Clinical Genetics Services, Murdoch Childrens Research Institute
Classification: Uncertain significance for Marfan syndrome. Last evaluated: 2023-07-16. Review status: criteria provided, single submitter. Criteria: ACMG Guidelines, 2015. Collection method: clinical testing. Allele origin: germline. Inheritance: Autosomal dominant inheritance. Affected: yes.
Comment: Based on the classification scheme VCGS_Germline_v1.3.4, this variant is classified as VUS-3A. Following criteria are met: 0103 - Dominant negative and loss of function are known mechanisms of disease in this gene and are associated with FBN1-related disease. Variants predicted to result in nonsense mediated decay cause loss of function effects and are more commonly associated with severe Marfan syndrome (MIM#154700). Missense variants with both dominant negative and loss of function effects on protein function are associated with Marfan syndrome and ectopia lentis (MIM#129600) (OMIM, PMID: 29357934). The exact genotype-phenotype correlation for this gene is still unclear which is compounded by variable expressivity (PMID: 20301510). (I) 0107 - This gene is predominantly associated with autosomal dominant disease; autosomal recessive forms of Marfan syndrome are rarely reported (PMID: 27274304; 31950671). 0115 - Variants in this gene are known to have variable expressivity. The genotype-phenotype correlations for this gene are unclear, with single variants reported in patients with a range of phenotypes (PMID: 20301510, OMIM). (I) 0200 - Variant is predicted to result in a missense amino acid change from asparagine to tyrosine. (I) 0251 - This variant is heterozygous. (I) 0301 - Variant is absent from gnomAD (both v2 and v3). (SP) 0501 - Missense variant consistently predicted to be damaging by multiple in silico tools or highly conserved with a major amino acid change. (SP) 0600 - Variant is located in the annotated calcium-binding EGF domain (DECIPHER). (I) 0705 - No comparable missense variants have previous evidence for pathogenicity. (I) 0807 - This variant has no previous evidence of pathogenicity. (I) 0905 - No published segregation evidence has been identified for this variant. (I) 1007 - No published functional evidence has been identified for this variant. (I) 1102 - Strong phenotype match for this individual. (SP) 1208 - Inheritance information for this variant is not currently available in this individual. (I) Legend: (SP) - Supporting pathogenic, (I) - Information, (SB) - Supporting benign

Literature cited by the submitters: NCBI Bookshelf NBK1335; PubMed 20301510; PubMed 27274304; PubMed 29357934; PubMed 31950671.

NM_000138.5(FBN1):c.2299A>T (p.Asn767Tyr)

Gene: FBN1 (fibrillin 1; minus strand). Cytogenetic location: 15q21.1.
Variant type: single nucleotide variant.
Coding change: c.2299A>T on transcript NM_000138.5 (MANE Select); coding-DNA position 2299, A replaced by T.
Protein change: p.Asn767Tyr; replaces asparagine 767 with tyrosine.
Molecular consequence: missense variant.
Genome position (GRCh38, 1-based): chr15:48,496,220, T>A on the plus strand (A>T on the coding strand, the complement: FBN1 is on the minus strand). VCF-style: chr15-48496220-T-A. GRCh37 (hg19) VCF-style: chr15-48788417-T-A.
Other names: c.2299A>T, p.Asn767Tyr (NM_001406716.1); short protein forms N767Y.
Identifiers: ClinVar variation 3255130 (VCV003255130.1), dbSNP rs2505573869.
Genomic context (GRCh38, chr15:48,496,220, plus strand): 5'-TTCCAGGAGTATTTCTACATTGTCCATTGTCACAAAGGAGACTGTTCAGTACACATTCAT[T>A]AATATCTGCAAAGTCAATGAAAATAAACACTTAAAAAGGGCCCAAACTTTGCCTGTATCT-3'
Protein context (NP_000129.3, residues 757-777): DSTGKNCVDI[Asn767Tyr]ECVLNSLLCD